The following is an entry in ClinVar:

ClinVar aggregate classification (germline): Uncertain significance. Review status: criteria provided, multiple submitters, no conflicts (2 of 4 stars). 9 submissions from 9 submitters: Uncertain significance (8). 1 of the submissions does not count toward it. Last evaluated 2025-10-18.

Conditions:
APC-related disorder. Also called: APC-related condition.
Hereditary cancer-predisposing syndrome. Also called: Hereditary neoplastic syndrome; Tumor predisposition; Neoplastic Syndromes, Hereditary; Hereditary Cancer Syndrome. Identifiers: Orphanet 140162, MedGen C0027672, MeSH D009386, MONDO:0015356.
Familial adenomatous polyposis 1 (FAP1). Also called: POLYPOSIS, ADENOMATOUS INTESTINAL; FAMILIAL ADENOMATOUS POLYPOSIS 1, ATTENUATED. Identifiers: MedGen C2713442, MONDO:0021056, OMIM 175100. Disease mechanism: loss of function.
Classic or attenuated familial adenomatous polyposis. Identifiers: MedGen CN372698, MONDO:0021057.

Allele frequency attached by ClinVar (database versions not stated): gnomAD exomes below 0.00001; ExAC 0.00001; TOPMed 0.00002; gnomAD 0.00003 and 0.00004.
gnomAD v4.1: 8 of 1,613,190 alleles (0.0005%); highest among the groups gnomAD compares: African/African-American, 0.0067%; no homozygotes.

Submissions (9):

Labcorp Genetics (formerly Invitae), Labcorp
Classification: Uncertain significance for Familial adenomatous polyposis 1. Last evaluated: 2025-10-18. Review status: criteria provided, single submitter. Criteria: Invitae Variant Classification Sherloc (09022015). Collection method: clinical testing. Allele origin: germline.
Comment: This sequence change replaces threonine, which is neutral and polar, with alanine, which is neutral and non-polar, at codon 2367 of the APC protein (p.Thr2367Ala). This variant is present in population databases (rs772778630, gnomAD 0.007%). This missense change has been observed in individual(s) with breast cancer (PMID: 35534704). ClinVar contains an entry for this variant (Variation ID: 571390). Invitae Evidence Modeling of protein sequence and biophysical properties (such as structural, functional, and spatial information, amino acid conservation, physicochemical variation, residue mobility, and thermodynamic stability) indicates that this missense variant is not expected to disrupt APC protein function with a negative predictive value of 95%. In summary, the available evidence is currently insufficient to determine the role of this variant in disease. Therefore, it has been classified as a Variant of Uncertain Significance.

GeneDx
Classification: Uncertain significance. Last evaluated: 2024-11-24. Review status: criteria provided, single submitter. Criteria: GeneDx Variant Classification Process June 2021. Collection method: clinical testing. Allele origin: germline. Affected: yes.
Comment: Not observed at significant frequency in large population cohorts (gnomAD); In silico analysis indicates that this missense variant does not alter protein structure/function; Observed in a patient with breast cancer (PMID: 35534704); This variant is associated with the following publications: (PMID: 18199528, 35534704)

All of Us Research Program, National Institutes of Health
Classification: Uncertain significance for Classic or attenuated familial adenomatous polyposis. Last evaluated: 2024-04-25. Review status: criteria provided, single submitter. Criteria: ACMG Guidelines, 2015. Collection method: clinical testing. Allele origin: germline. Inheritance: Autosomal dominant inheritance. Observed: 2 variant alleles, 2 heterozygotes.
Comment: This missense variant replaces threonine with alanine at codon 2367 of the APC protein. Computational prediction suggests that this variant may not impact protein structure and function (internally defined REVEL score threshold <= 0.5, PMID: 27666373). To our knowledge, functional studies have not been reported for this variant. This variant has been reported in an individual affected with breast and thyroid cancer (DOI: 10.1101/2021.04.15.21255554). This variant has been identified in 1/249654 chromosomes in the general population by the Genome Aggregation Database (gnomAD). The available evidence is insufficient to determine the role of this variant in disease conclusively. Therefore, this variant is classified as a Variant of Uncertain Significance.

This study involves interpretation of variants in research participants for the purpose of population health screening. Participant phenotype was not available at the time of variant classification. Additional details can be found in publication PMID: 35346344, PMCID: PMC8962531

Color Diagnostics, LLC DBA Color Health
Classification: Uncertain significance for Hereditary cancer-predisposing syndrome. Last evaluated: 2024-04-10. Review status: criteria provided, single submitter. Criteria: ACMG Guidelines, 2015. Collection method: clinical testing. Allele origin: germline.
Comment: This missense variant replaces threonine with alanine at codon 2367 of the APC protein. Computational prediction suggests that this variant may not impact protein structure and function (internally defined REVEL score threshold <= 0.5, PMID: 27666373). To our knowledge, functional studies have not been reported for this variant. This variant has been reported in an individual affected with breast and thyroid cancer (PMID: 35534704). This variant has been identified in 1/249654 chromosomes in the general population by the Genome Aggregation Database (gnomAD). The available evidence is insufficient to determine the role of this variant in disease conclusively. Therefore, this variant is classified as a Variant of Uncertain Significance.

Baylor Genetics
Classification: Uncertain significance for Familial adenomatous polyposis 1. Last evaluated: 2023-07-21. Review status: criteria provided, single submitter. Criteria: ACMG Guidelines, 2015. Collection method: clinical testing. Allele origin: unknown.

Ambry Genetics
Classification: Uncertain significance for Hereditary cancer-predisposing syndrome. Last evaluated: 2021-10-06. Review status: criteria provided, single submitter. Criteria: Ambry Variant Classification Scheme 2023. Collection method: clinical testing. Allele origin: germline.

Mendelics
Classification: Uncertain significance for Familial adenomatous polyposis 1. Last evaluated: 2019-05-28. Review status: criteria provided, single submitter. Criteria: Mendelics Assertion Criteria 2017. Collection method: clinical testing. Allele origin: unknown.

Quest Diagnostics Nichols Institute San Juan Capistrano
Classification: Uncertain significance. Last evaluated: 2017-11-21. Review status: criteria provided, single submitter. Criteria: Quest Diagnostics criteria. Collection method: clinical testing. Allele origin: germline.

PreventionGenetics, part of Exact Sciences
Classification: Uncertain significance for APC-related condition. Last evaluated: 2024-02-14. Review status: no assertion criteria provided. Collection method: clinical testing. Allele origin: germline. Not counted in ClinVar's aggregate classification.
Comment: The APC c.7099A>G variant is predicted to result in the amino acid substitution p.Thr2367Ala. To our knowledge, this variant has not been reported in the literature. This variant is reported in 0.0062% of alleles in individuals of African descent in gnomAD. It is reported as uncertain significance in ClinVar. At this time, the clinical significance of this variant is uncertain due to the absence of conclusive functional and genetic evidence.

Literature cited by the submitters: PubMed 35534704 (cited by Labcorp Genetics (formerly Invitae), Labcorp and Color Diagnostics, LLC DBA Color Health).

NM_000038.6(APC):c.7099A>G (p.Thr2367Ala)

Gene: APC (APC regulator of Wnt signaling pathway; plus strand). Cytogenetic location: 5q22.2.
Variant type: single nucleotide variant.
Coding change: c.7099A>G on transcript NM_000038.6 (MANE Select); coding-DNA position 7099, A replaced by G.
Protein change: p.Thr2367Ala; replaces threonine 2367 with alanine.
Molecular consequence: missense variant.
Genome position (GRCh38, 1-based): chr5:112,842,693, A>G. VCF-style: chr5-112842693-A-G. GRCh37 (hg19) VCF-style: chr5-112178390-A-G.
Other names: c.7099A>G, p.Thr2367Ala (NM_001127510.3, NM_001354895.2); c.7045A>G, p.Thr2349Ala (NM_001127511.3); c.7153A>G, p.Thr2385Ala (NM_001354896.2); c.7129A>G, p.Thr2377Ala (NM_001354897.2); c.7024A>G, p.Thr2342Ala (NM_001354898.2); c.7015A>G, p.Thr2339Ala (NM_001354899.2); c.6976A>G, p.Thr2326Ala (NM_001354900.2); c.6922A>G, p.Thr2308Ala (NM_001354901.2); and 5 more; short protein forms T2349A, T2367A, T2308A, T2339A, T2377A, T2326A, T2342A, T2084A.
Identifiers: ClinVar variation 571390 (VCV000571390.28), dbSNP rs772778630, ClinGen allele CA046911.